The following is an entry in ClinVar:

NM_001039141.3(TRIOBP):c.5404A>T (p.Thr1802Ser)

Genes: TRIOBP (TRIO and F-actin binding protein; plus strand), LOC126863145 (CDK7 strongly-dependent group 2 enhancer GRCh37_chr22:38150829-38152028; plus strand). Cytogenetic location: 22q13.1.
Variant type: single nucleotide variant.
Coding change: c.5404A>T on transcript NM_001039141.3 (MANE Select); coding-DNA position 5404, A replaced by T.
Protein change: p.Thr1802Ser; replaces threonine 1802 with serine.
Molecular consequence: missense variant.
Genome position (GRCh38, 1-based): chr22:37,754,901, A>T. VCF-style: chr22-37754901-A-T. GRCh37 (hg19) VCF-style: chr22-38150908-A-T.
Other names: c.265A>T, p.Thr89Ser (NM_007032.5, NM_138632.2); short protein forms T1802S, T89S.
Identifiers: ClinVar variation 1216547 (VCV001216547.8), dbSNP rs200252879, ClinGen allele CA10224683.

ClinVar aggregate classification (germline): Likely benign. Review status: criteria provided, multiple submitters, no conflicts (2 of 4 stars). 3 submissions from 3 submitters: Likely benign (3). Last evaluated 2026-03-17.

Conditions:
TRIOBP-related disorder. Also called: TRIOBP-related condition.

Allele frequency attached by ClinVar (database versions not stated): gnomAD 0.00010 and 0.00012; TOPMed 0.00011; ExAC 0.00016; gnomAD exomes 0.00021; 1000 Genomes Project 0.00060; 1000 Genomes Project 30x 0.00062.
gnomAD v4.1: 74 of 1,613,804 alleles (0.0046%); highest among the groups gnomAD compares: East Asian, 0.16%; no homozygotes.

Submissions (4):

PreventionGenetics, part of Exact Sciences
Classification: Likely benign for TRIOBP-related condition. Last evaluated: 2026-03-17. Review status: criteria provided, single submitter. Criteria: ACMG Guidelines, 2015. Collection method: clinical testing. Allele origin: germline.
Comment: This variant is classified as likely benign based on ACMG/AMP sequence variant interpretation guidelines (Richards et al. 2015 PMID: 25741868, with internal and published modifications).

Labcorp Genetics (formerly Invitae), Labcorp
Classification: Likely benign. Last evaluated: 2023-08-17. Review status: criteria provided, single submitter. Criteria: Invitae Variant Classification Sherloc (09022015). Collection method: clinical testing. Allele origin: germline.

GeneDx
Classification: Likely benign. Last evaluated: 2019-06-20. Review status: criteria provided, single submitter. Criteria: GeneDx Variant Classification Process June 2021. Collection method: clinical testing. Allele origin: germline. Affected: yes.

Dr. Peter K. Rogan Lab, Western University
No classification provided (evidence only). Condition: Malignant tumor of esophagus. Review status: no classification provided. Collection method: in vitro. Allele origin: not applicable. Functional consequence: retained intron. Not counted in ClinVar's aggregate classification.